The following is an entry in ClinVar:

ClinVar aggregate classification (germline): Likely benign. Review status: criteria provided, single submitter (1 of 4 stars). 2 submissions from 2 submitters: Likely benign (1). 1 of the submissions does not count toward it. Last evaluated 2024-06-24.

Conditions:
PLCD1-related disorder. Also called: PLCD1-related condition.

Allele frequency attached by ClinVar (database versions not stated): ExAC 0.00023; ESP Exome Variant Server 0.00069; gnomAD 0.00078; TOPMed 0.00090; 1000 Genomes Project 30x 0.00094; 1000 Genomes Project 0.00100.
gnomAD v4.1: 250 of 1,613,996 alleles (0.015%); highest among the groups gnomAD compares: African/African-American, 0.28%; no homozygotes.

Submissions (2):

Blueprint Genetics
Classification: Likely benign. Last evaluated: 2024-06-24. Review status: criteria provided, single submitter. Criteria: ACMG Guidelines, 2015. Collection method: clinical testing. Allele origin: germline.

PreventionGenetics, part of Exact Sciences
Classification: Likely benign for PLCD1-related condition. Last evaluated: 2019-10-28. Review status: no assertion criteria provided. Collection method: clinical testing. Allele origin: germline. Not counted in ClinVar's aggregate classification.
Comment: This variant is classified as likely benign based on ACMG/AMP sequence variant interpretation guidelines (Richards et al. 2015 PMID: 25741868, with internal and published modifications).

NM_006225.4(PLCD1):c.102C>T (p.Ser34=)

Gene: PLCD1 (phospholipase C delta 1; minus strand). Cytogenetic location: 3p22.2.
Variant type: single nucleotide variant.
Coding change: c.102C>T on transcript NM_006225.4 (MANE Select); coding-DNA position 102, C replaced by T.
Protein change: p.Ser34=; no amino-acid change (serine 34 retained).
Molecular consequence: synonymous variant. On other transcripts: non-coding transcript variant (1).
Genome position (GRCh38, 1-based): chr3:38,020,285, G>A on the plus strand (C>T on the coding strand, the complement: PLCD1 is on the minus strand). VCF-style: chr3-38020285-G-A. GRCh37 (hg19) VCF-style: chr3-38061776-G-A.
Other names: c.165C>T, p.Ser55= (NM_001130964.2).
Identifiers: ClinVar variation 3040884 (VCV003040884.3), dbSNP rs112172914, ClinGen allele CA2313475.
Genomic context (GRCh38, chr3:38,020,285, plus strand): 5'-CTCCTGCCAGATGGTCTTGCAGTCCTCCTGCAACTTGTAGAAGCGCTCTCTCCTCCATGA[G>A]CTGGACTTCACCTTCAGGAGCTGGCTGCCCTTCAGCAGCGCCTGTAGATCCTCATCATCC-3'
Protein context (NP_006216.2, residues 24-44): KGSQLLKVKS[Ser34=]SWRRERFYKL